The following is an entry in ClinVar:

ClinVar aggregate classification (germline): Pathogenic (1 of 4 stars; one submission).

Submission:

Labcorp Genetics (formerly Invitae), Labcorp
Classification: Pathogenic. Last evaluated: 2022-06-28. Review status: criteria provided, single submitter. Criteria: Invitae Variant Classification Sherloc (09022015). Collection method: clinical testing. Allele origin: germline.
Comment: This sequence change creates a premature translational stop signal (p.Ala153Cysfs*109) in the CYP26C1 gene. It is expected to result in an absent or disrupted protein product. Loss-of-function variants in CYP26C1 are known to be pathogenic (PMID: 23161670, 28170084). This variant is present in population databases (no rsID available, gnomAD 0.01%). This variant has not been reported in the literature in individuals affected with CYP26C1-related conditions. For these reasons, this variant has been classified as Pathogenic.

Literature cited by the submitters: PubMed 23161670; PubMed 28170084.

NM_183374.3(CYP26C1):c.457_481del (p.Ala153fs)

Genes: CYP26C1 (cytochrome P450 family 26 subfamily C member 1; plus strand), LOC130004370 (ATAC-STARR-seq lymphoblastoid active region 3781; plus strand). Cytogenetic location: 10q23.33.
Variant type: Deletion.
Coding change: c.457_481del on transcript NM_183374.3 (MANE Select); coding-DNA positions 457 to 481, 25 bases deleted (GCGCTGGAGCGCTACGTGCCGCGCC).
Protein change: p.Ala153fs; shifts the reading frame from alanine 153.
Molecular consequence: frameshift variant.
Genome position (GRCh38, 1-based): chr10:93,062,747-93,062,771, GCGCTGGAGCGCTACGTGCCGCGCC deleted; deleting any 25 consecutive bases within chr10:93,062,739-93,062,771 gives the same sequence; the c. name uses the placement nearest the transcript's 3' end. VCF-style (leftmost placement, unchanged base first): chr10-93062738-AGCCGCGCCGCGCTGGAGCGCTACGT-A. GRCh37 (hg19) VCF-style: chr10-94822495-AGCCGCGCCGCGCTGGAGCGCTACGT-A.
Other names: short protein forms A153fs.
Identifiers: ClinVar variation 2081971 (VCV002081971.1), dbSNP rs1385227341, ClinGen allele CA595637477.